The following is an entry in ClinVar:

NM_004304.5(ALK):c.2372A>G (p.Gln791Arg)

Gene: ALK (ALK receptor tyrosine kinase; minus strand). Cytogenetic location: 2p23.2.
Variant type: single nucleotide variant.
Coding change: c.2372A>G on transcript NM_004304.5 (MANE Select); coding-DNA position 2372, A replaced by G.
Protein change: p.Gln791Arg; replaces glutamine 791 with arginine.
Molecular consequence: missense variant.
Genome position (GRCh38, 1-based): chr2:29,233,680, T>C on the plus strand (A>G on the coding strand, the complement: ALK is on the minus strand). VCF-style: chr2-29233680-T-C. GRCh37 (hg19) VCF-style: chr2-29456546-T-C.
Other names: short protein forms Q791R.
Identifiers: ClinVar variation 2452138 (VCV002452138.2), dbSNP rs2465990016, ClinGen allele CA346472529.

ClinVar aggregate classification (germline): Uncertain significance (1 of 4 stars; one submission).

Conditions:
Hereditary cancer-predisposing syndrome. Also called: Neoplastic Syndromes, Hereditary; Tumor predisposition; Hereditary neoplastic syndrome; Hereditary Cancer Syndrome. Identifiers: Orphanet 140162, MedGen C0027672, MeSH D009386, MONDO:0015356.

Allele frequency attached by ClinVar (database versions not stated): gnomAD exomes below 0.00001.
gnomAD v4.1: 1 of 1,614,250 alleles (0.000062%); highest among the groups gnomAD compares: Non-Finnish European, 0.000085%; no homozygotes.

Submission:

Ambry Genetics
Classification: Uncertain significance for Hereditary cancer-predisposing syndrome. Last evaluated: 2023-02-25. Review status: criteria provided, single submitter. Criteria: Ambry Variant Classification Scheme 2023. Collection method: clinical testing. Allele origin: germline.
Comment: The p.Q791R variant (also known as c.2372A>G), located in coding exon 14 of the ALK gene, results from an A to G substitution at nucleotide position 2372. The glutamine at codon 791 is replaced by arginine, an amino acid with highly similar properties. This amino acid position is conserved. In addition, the in silico prediction for this alteration is inconclusive. Since supporting evidence is limited at this time, the clinical significance of this alteration remains unclear.